The following is an entry in ClinVar:

ClinVar aggregate classification (germline): Uncertain significance (0 of 4 stars; one submission).

Conditions:
SEMA3B-related disorder. Also called: SEMA3B-related condition.

gnomAD v4.1: 5 of 1,595,238 alleles (0.00031%); highest among the groups gnomAD compares: East Asian, 0.0068%; no homozygotes.

Submission:

PreventionGenetics, part of Exact Sciences
Classification: Uncertain significance for SEMA3B-related condition. Last evaluated: 2024-06-06. Review status: no assertion criteria provided. Collection method: clinical testing. Allele origin: germline.
Comment: The SEMA3B c.165C>T is a noncoding alteration. To our knowledge, this variant has not been reported in the literature. This variant is reported in 0.019% of alleles in individuals of East Asian descent in gnomAD. At this time, the clinical significance of this variant is uncertain due to the absence of conclusive functional and genetic evidence.

NM_001290060.2(SEMA3B):c.165C>T (p.Tyr55=)

Gene: SEMA3B (semaphorin 3B; plus strand). Cytogenetic location: 3p21.31.
Variant type: single nucleotide variant.
Coding change: c.165C>T on transcript NM_001290060.2 (MANE Select); coding-DNA position 165, C replaced by T.
Protein change: p.Tyr55=; no amino-acid change (tyrosine 55 retained).
Molecular consequence: synonymous variant.
Genome position (GRCh38, 1-based): chr3:50,270,182, C>T. VCF-style: chr3-50270182-C-T. GRCh37 (hg19) VCF-style: chr3-50307613-C-T.
Other names: c.165C>T, p.Tyr55= (NM_001005914.3, NM_001290061.1, NM_004636.4).
Identifiers: ClinVar variation 3357552 (VCV003357552.1).